The following is an entry in ClinVar:

ClinVar aggregate classification (germline): Likely benign. Review status: criteria provided, single submitter (1 of 4 stars). 2 submissions from 2 submitters: Likely benign (1). 1 of the submissions does not count toward it. Last evaluated 2024-11-25.

Conditions:
UNC13D-related disorder. Also called: UNC13D-related condition.

Allele frequency attached by ClinVar (database versions not stated): 1000 Genomes Project 30x 0.00078; 1000 Genomes Project 0.00100; gnomAD 0.00185; TOPMed 0.00196; gnomAD exomes 0.00397.
gnomAD v4.1: 5,136 of 1,372,752 alleles (0.37%); highest among the groups gnomAD compares: Non-Finnish European, 0.46%; 17 homozygotes.

Submissions (2):

Blueprint Genetics
Classification: Likely benign. Last evaluated: 2024-11-25. Review status: criteria provided, single submitter. Criteria: ACMG Guidelines, 2015. Collection method: clinical testing. Allele origin: germline.

PreventionGenetics, part of Exact Sciences
Classification: Likely benign for UNC13D-related condition. Last evaluated: 2020-06-16. Review status: no assertion criteria provided. Collection method: clinical testing. Allele origin: germline. Not counted in ClinVar's aggregate classification.
Comment: This variant is classified as likely benign based on ACMG/AMP sequence variant interpretation guidelines (Richards et al. 2015 PMID: 25741868, with internal and published modifications).

NM_199242.3(UNC13D):c.118-326G>A

Gene: UNC13D (unc-13 homolog D; minus strand). Cytogenetic location: 17q25.1.
Variant type: single nucleotide variant.
Coding change: c.118-326G>A on transcript NM_199242.3 (MANE Select); 326 bases into the intron before coding-DNA position 118, G replaced by A.
Molecular consequence: intron variant.
Genome position (GRCh38, 1-based): chr17:75,843,845, C>T on the plus strand (G>A on the coding strand, the complement: UNC13D is on the minus strand). VCF-style: chr17-75843845-C-T. GRCh37 (hg19) VCF-style: chr17-73839926-C-T.
Identifiers: ClinVar variation 3056290 (VCV003056290.3), dbSNP rs553222141, ClinGen allele CA294090517.